The following is an entry in ClinVar:

NM_001105247.2(ARMC5):c.342G>T (p.Val114=)

Genes: ARMC5 (armadillo repeat containing 5; plus strand), LOC130058906 (ATAC-STARR-seq lymphoblastoid silent region 7419; plus strand). Cytogenetic location: 16p11.2.
Variant type: single nucleotide variant.
Coding change: c.342G>T on transcript NM_001105247.2 (MANE Select); coding-DNA position 342, G replaced by T.
Protein change: p.Val114=; no amino-acid change (valine 114 retained).
Molecular consequence: synonymous variant.
Genome position (GRCh38, 1-based): chr16:31,459,866, G>T. VCF-style: chr16-31459866-G-T. GRCh37 (hg19) VCF-style: chr16-31471187-G-T.
Other names: c.627G>T, p.Val209= (NM_001288767.2); c.438G>T, p.Val146= (NM_001301820.1); c.342G>T, p.Val114= (NM_024742.2); c.627G>T (NM_001288767.1).
Identifiers: ClinVar variation 4929613 (VCV004929613.2).

ClinVar aggregate classification (germline): Likely benign. Review status: criteria provided, multiple submitters, no conflicts (2 of 4 stars). 2 submissions from 2 submitters: Likely benign (2). Last evaluated 2026-09-24.

Conditions:
ARMC5-related disorder. Also called: ARMC5-related condition.

gnomAD v4.1: 166 of 1,601,726 alleles (0.01%); highest among the groups gnomAD compares: East Asian, 0.33%; 1 homozygote.

Submissions (2):

PreventionGenetics, part of Exact Sciences
Classification: Likely benign for ARMC5-related condition. Last evaluated: 2026-09-24. Review status: criteria provided, single submitter. Criteria: ACMG Guidelines, 2015. Collection method: clinical testing. Allele origin: germline.
Comment: This variant is classified as likely benign based on ACMG/AMP sequence variant interpretation guidelines (Richards et al. 2015 PMID: 25741868, with internal and published modifications).

Blueprint Genetics
Classification: Likely benign. Last evaluated: 2024-10-11. Review status: criteria provided, single submitter. Criteria: ACMG Guidelines, 2015. Collection method: clinical testing. Allele origin: germline.